The following is an entry in ClinVar:

NM_032447.5(FBN3):c.5169T>C (p.Asp1723=)

Gene: FBN3 (fibrillin 3; minus strand). Cytogenetic location: 19p13.2.
Variant type: single nucleotide variant.
Coding change: c.5169T>C on transcript NM_032447.5 (MANE Select); coding-DNA position 5169, T replaced by C.
Protein change: p.Asp1723=; no amino-acid change (aspartic acid 1723 retained).
Molecular consequence: synonymous variant.
Genome position (GRCh38, 1-based): chr19:8,097,407, A>G on the plus strand (T>C on the coding strand, the complement: FBN3 is on the minus strand). VCF-style: chr19-8097407-A-G. GRCh37 (hg19) VCF-style: chr19-8162291-A-G.
Other names: c.5169T>C (NM_001321431.1); c.5169T>C, p.Asp1723= (NM_001321431.2).
Identifiers: ClinVar variation 3016099 (VCV003016099.5), dbSNP rs139398791, ClinGen allele CA9151758.

ClinVar aggregate classification (germline): Likely benign. Review status: criteria provided, single submitter (1 of 4 stars). 2 submissions from 2 submitters: Likely benign (1). 1 of the submissions does not count toward it. Last evaluated 2025-09-02.

Conditions:
FBN3-related disorder. Also called: FBN3-related condition.

Allele frequency attached by ClinVar (database versions not stated): gnomAD 0.00021; gnomAD exomes 0.00001; TOPMed 0.00015; ExAC 0.00007; ESP Exome Variant Server 0.00038.
gnomAD v4.1: 44 of 1,591,114 alleles (0.0028%); highest among the groups gnomAD compares: African/African-American, 0.056%; no homozygotes.

Submissions (2):

Labcorp Genetics (formerly Invitae), Labcorp
Classification: Likely benign. Last evaluated: 2025-09-02. Review status: criteria provided, single submitter. Criteria: Invitae Variant Classification Sherloc (09022015). Collection method: clinical testing. Allele origin: germline.

PreventionGenetics, part of Exact Sciences
Classification: Likely benign for FBN3-related condition. Last evaluated: 2019-06-24. Review status: no assertion criteria provided. Collection method: clinical testing. Allele origin: germline. Not counted in ClinVar's aggregate classification.
Comment: This variant is classified as likely benign based on ACMG/AMP sequence variant interpretation guidelines (Richards et al. 2015 PMID: 25741868, with internal and published modifications).